The following is an entry in ClinVar:

ClinVar aggregate classification (germline): Uncertain significance (1 of 4 stars; one submission).

Allele frequency attached by ClinVar (database versions not stated): ExAC 0.00001; gnomAD 0.00001 and 0.00002; gnomAD exomes 0.00003.
gnomAD v4.1: 68 of 1,612,946 alleles (0.0042%); highest among the groups gnomAD compares: East Asian, 0.022%; no homozygotes.

Submission:

Labcorp Genetics (formerly Invitae), Labcorp
Classification: Uncertain significance. Last evaluated: 2022-06-20. Review status: criteria provided, single submitter. Criteria: Invitae Variant Classification Sherloc (09022015). Collection method: clinical testing. Allele origin: germline.
Comment: Algorithms developed to predict the effect of missense changes on protein structure and function output the following: SIFT: "Tolerated"; PolyPhen-2: "Benign"; Align-GVGD: "Class C0". The methionine amino acid residue is found in multiple mammalian species, which suggests that this missense change does not adversely affect protein function. This variant has not been reported in the literature in individuals affected with PDE10A-related conditions. This variant is present in population databases (rs759634882, gnomAD 0.006%). This sequence change replaces valine, which is neutral and non-polar, with methionine, which is neutral and non-polar, at codon 466 of the PDE10A protein (p.Val466Met). In summary, the available evidence is currently insufficient to determine the role of this variant in disease. Therefore, it has been classified as a Variant of Uncertain Significance.

NM_001385079.1(PDE10A):c.2194G>A (p.Val732Met)

Gene: PDE10A (phosphodiesterase 10A; minus strand). Cytogenetic location: 6q27.
Variant type: single nucleotide variant.
Coding change: c.2194G>A on transcript NM_001385079.1 (MANE Select); coding-DNA position 2194, G replaced by A.
Protein change: p.Val732Met; replaces valine 732 with methionine.
Molecular consequence: missense variant.
Genome position (GRCh38, 1-based): chr6:165,396,342, C>T on the plus strand (G>A on the coding strand, the complement: PDE10A is on the minus strand). VCF-style: chr6-165396342-C-T. GRCh37 (hg19) VCF-style: chr6-165809831-C-T.
Other names: c.1396G>A, p.Val466Met (NM_001130690.3); c.1366G>A, p.Val456Met (NM_006661.4); short protein forms V732M, V456M, V466M.
Identifiers: ClinVar variation 1415203 (VCV001415203.8), dbSNP rs759634882, ClinGen allele CA4092182.